The following is an entry in ClinVar:

NM_020436.5(SALL4):c.950C>T (p.Pro317Leu)

Gene: SALL4 (spalt like transcription factor 4; minus strand). Cytogenetic location: 20q13.2.
Variant type: single nucleotide variant.
Coding change: c.950C>T on transcript NM_020436.5 (MANE Select); coding-DNA position 950, C replaced by T.
Protein change: p.Pro317Leu; replaces proline 317 with leucine.
Molecular consequence: missense variant.
Genome position (GRCh38, 1-based): chr20:51,791,533, G>A on the plus strand (C>T on the coding strand, the complement: SALL4 is on the minus strand). VCF-style: chr20-51791533-G-A. GRCh37 (hg19) VCF-style: chr20-50408072-G-A.
Other names: c.950C>T, p.Pro317Leu (NM_001318031.2); c.950C>T (LRG_675t1); short protein forms P317L.
Identifiers: ClinVar variation 387718 (VCV000387718.11), dbSNP rs149863527, ClinGen allele CA9912374.

ClinVar aggregate classification (germline): Uncertain significance. Review status: criteria provided, multiple submitters, no conflicts (2 of 4 stars). 4 submissions from 4 submitters: Uncertain significance (4). Last evaluated 2025-09-05.

Conditions:
Inborn genetic diseases. Identifiers: MedGen C0950123, MeSH D030342.
Oculootoradial syndrome (IVIC). Also called: RADIAL RAY DEFECTS, HEARING IMPAIRMENT, EXTERNAL OPHTHALMOPLEGIA, AND THROMBOCYTOPENIA; IVIC syndrome. Identifiers: Orphanet 2307, MedGen C1327918, MONDO:0007836, OMIM 147750.
Duane-radial ray syndrome (DRRS). Also called: ACRORENOOCULAR SYNDROME; DR SYNDROME; DUANE ANOMALY WITH RADIAL RAY ABNORMALITIES AND DEAFNESS; Duane-Radial Ray Syndrome (DRRS) / Okihiro Syndrome; Okihiro Syndrome; Duane-Radial Ray Syndrome/Okihiro Syndrome. Identifiers: Orphanet 93293, Orphanet 959, MedGen C1623209, MONDO:0011812, OMIM 607323. Disease mechanism: gain of function.

Allele frequency attached by ClinVar (database versions not stated): ExAC 0.00003; gnomAD exomes 0.00004; TOPMed 0.00005; gnomAD 0.00008 and 0.00010; 1000 Genomes Project 30x 0.00062; 1000 Genomes Project 0.00080.
gnomAD v4.1: 79 of 1,613,942 alleles (0.0049%); highest among the groups gnomAD compares: African/African-American, 0.056%; no homozygotes.

Submissions (4):

Ambry Genetics
Classification: Uncertain significance for Inborn genetic diseases. Last evaluated: 2025-09-05. Review status: criteria provided, single submitter. Criteria: Ambry Variant Classification Scheme 2023. Collection method: clinical testing. Allele origin: germline.

Labcorp Genetics (formerly Invitae), Labcorp
Classification: Uncertain significance for Duane-radial ray syndrome. Last evaluated: 2024-10-03. Review status: criteria provided, single submitter. Criteria: Invitae Variant Classification Sherloc (09022015). Collection method: clinical testing. Allele origin: germline.
Comment: This sequence change replaces proline, which is neutral and non-polar, with leucine, which is neutral and non-polar, at codon 317 of the SALL4 protein (p.Pro317Leu). This variant is present in population databases (rs149863527, gnomAD 0.04%), and has an allele count higher than expected for a pathogenic variant. This variant has not been reported in the literature in individuals affected with SALL4-related conditions. ClinVar contains an entry for this variant (Variation ID: 387718). An algorithm developed to predict the effect of missense changes on protein structure and function (PolyPhen-2) suggests that this variant is likely to be disruptive. In summary, the available evidence is currently insufficient to determine the role of this variant in disease. Therefore, it has been classified as a Variant of Uncertain Significance.

GeneDx
Classification: Uncertain significance. Last evaluated: 2024-09-20. Review status: criteria provided, single submitter. Criteria: GeneDx Variant Classification Process June 2021. Collection method: clinical testing. Allele origin: germline. Affected: yes.
Comment: In silico analysis supports that this missense variant has a deleterious effect on protein structure/function; Has not been previously published as pathogenic or benign to our knowledge

Fulgent Genetics
Classification: Uncertain significance for Oculootoradial syndrome; Duane-radial ray syndrome. Last evaluated: 2021-11-09. Review status: criteria provided, single submitter. Criteria: ACMG Guidelines, 2015. Collection method: clinical testing. Allele origin: unknown.